The following is an entry in ClinVar:

ClinVar aggregate classification (germline): Benign/Likely benign. Review status: criteria provided, multiple submitters, no conflicts (2 of 4 stars). 4 submissions from 4 submitters: Benign (1); Likely benign (3). Last evaluated 2025-06-01.

Conditions:
Hereditary breast ovarian cancer syndrome. Also called: Hereditary breast and ovarian cancer; Breast and ovarian cancer; Hereditary breast and/or ovarian cancer syndrome; Hereditary breast and ovarian cancer syndrome; BRCA1- and BRCA2-Associated Hereditary Breast and Ovarian Cancer; Hereditary breast and ovarian cancer syndrome (HBOC). Identifiers: Orphanet 145, MedGen C0677776, MeSH D061325, MONDO:0003582. Disease mechanism: loss of function.
Familial cancer of breast. Also called: BREAST CANCER, FAMILIAL; Hereditary breast cancer; hereditary breast carcinoma. Identifiers: Orphanet 227535, MedGen C0346153, MONDO:0016419, OMIM 114480. Disease mechanism: loss of function.
Hereditary cancer-predisposing syndrome. Also called: Tumor predisposition; Hereditary Cancer Syndrome; Neoplastic Syndromes, Hereditary; Hereditary neoplastic syndrome. Identifiers: Orphanet 140162, MedGen C0027672, MeSH D009386, MONDO:0015356.

Allele frequency attached by ClinVar (database versions not stated): gnomAD exomes below 0.00001.
gnomAD v4.1: 4 of 1,613,998 alleles (0.00025%); highest among the groups gnomAD compares: African/African-American, 0.0053%; no homozygotes.

Submissions (4):

Labcorp Genetics (formerly Invitae), Labcorp
Classification: Likely benign for Familial cancer of breast. Last evaluated: 2025-06-01. Review status: criteria provided, single submitter. Criteria: Invitae Variant Classification Sherloc (09022015). Collection method: clinical testing. Allele origin: germline.

Myriad Genetics, Inc.
Classification: Benign for Familial cancer of breast. Last evaluated: 2024-10-01. Review status: criteria provided, single submitter. Criteria: Myriad Autosomal Dominant, Autosomal Recessive and X-Linked Classification Criteria (2023). Collection method: clinical testing. Allele origin: unknown.
Comment: This variant is considered benign. This variant is a silent/synonymous amino acid change and it is not expected to impact splicing.

National Health Laboratory Service, Universitas Academic Hospital and University of the Free State
Classification: Likely benign for Hereditary breast ovarian cancer syndrome. Last evaluated: 2022-04-19. Review status: criteria provided, single submitter. Criteria: ACMG Guidelines, 2015. Collection method: clinical testing. Allele origin: germline. Affected: yes. Observed: 1 variant allele.

Ambry Genetics
Classification: Likely benign for Hereditary cancer-predisposing syndrome. Last evaluated: 2019-04-15. Review status: criteria provided, single submitter. Criteria: Ambry Variant Classification Scheme 2023. Collection method: clinical testing. Allele origin: germline.

NM_007194.4(CHEK2):c.96C>G (p.Ser32=)

Gene: CHEK2 (checkpoint kinase 2; minus strand). Cytogenetic location: 22q12.1.
Variant type: single nucleotide variant.
Coding change: c.96C>G on transcript NM_007194.4 (MANE Select); coding-DNA position 96, C replaced by G.
Protein change: p.Ser32=; no amino-acid change (serine 32 retained).
Molecular consequence: synonymous variant.
Genome position (GRCh38, 1-based): chr22:28,734,626, G>C on the plus strand (C>G on the coding strand, the complement: CHEK2 is on the minus strand). VCF-style: chr22-28734626-G-C. GRCh37 (hg19) VCF-style: chr22-29130614-G-C.
Other names: NP_009125.1:p.Ser32=; c.96C>G, p.Ser32= (NM_001005735.3, NM_001349956.3, NM_145862.3); c.-682C>G (NM_001257387.3).
Identifiers: ClinVar variation 823421 (VCV000823421.18), dbSNP rs1601853447, ClinGen allele CA513946611.
Genomic context (GRCh38, chr22:28,734,626, plus strand): 5'-GGACTGGCTGGAGTTTGGCATCGTGCTGGTAGAGGAGCTGGATATGCCCTGGGACTGTGA[G>C]GAGGAGCCTTGGGACTGGGTAACGCTGCCATGGGGCTGTGAACAGGCACTGCTGCCATGA-3'
Protein context (NP_009125.1, residues 22-42): HGSVTQSQGS[Ser32=]SQSQGISSSS